The following is an entry in ClinVar:

NM_000057.4(BLM):c.2033C>T (p.Ala678Val)

Gene: BLM (BLM RecQ like helicase; plus strand). Cytogenetic location: 15q26.1.
Variant type: single nucleotide variant.
Coding change: c.2033C>T on transcript NM_000057.4 (MANE Select); coding-DNA position 2033, C replaced by T.
Protein change: p.Ala678Val; replaces alanine 678 with valine.
Molecular consequence: missense variant.
Genome position (GRCh38, 1-based): chr15:90,763,116, C>T. VCF-style: chr15-90763116-C-T. GRCh37 (hg19) VCF-style: chr15-91306346-C-T.
Other names: c.2033C>T, p.Ala678Val (NM_001287246.2, NM_001287247.2); c.908C>T, p.Ala303Val (NM_001287248.2); short protein forms A678V, A303V.
Identifiers: ClinVar variation 4622896 (VCV004622896.1).

ClinVar aggregate classification (germline): Uncertain significance (1 of 4 stars; one submission).

Conditions:
Hereditary cancer-predisposing syndrome. Also called: Neoplastic Syndromes, Hereditary; Tumor predisposition; Hereditary Cancer Syndrome; Hereditary neoplastic syndrome. Identifiers: Orphanet 140162, MedGen C0027672, MeSH D009386, MONDO:0015356.

Submission:

Ambry Genetics
Classification: Uncertain significance for Hereditary cancer-predisposing syndrome. Last evaluated: 2025-12-07. Review status: criteria provided, single submitter. Criteria: Ambry Variant Classification Scheme 2023. Collection method: clinical testing. Allele origin: germline.
Comment: The p.A678V variant (also known as c.2033C>T), located in coding exon 7 of the BLM gene, results from a C to T substitution at nucleotide position 2033. The alanine at codon 678 is replaced by valine, an amino acid with similar properties. This amino acid position is conserved. In addition, this alteration is predicted to be deleterious by in silico analysis. Based on the available evidence, the clinical significance of this variant remains unclear.